The following is an entry in ClinVar:

ClinVar aggregate classification (germline): Conflicting classifications of pathogenicity. Review status: criteria provided, conflicting classifications (1 of 4 stars). 3 submissions from 3 submitters: Uncertain significance (2); Likely benign (1). Last evaluated 2023-12-20.

Conditions:
Cardiovascular phenotype. Identifiers: MedGen CN230736.
Arrhythmogenic cardiomyopathy with wooly hair and keratoderma. Also called: Arrhythmogenic cardiomyopathy with woolly hair and keratoderma; Dilated cardiomyopathy with woolly hair and keratoderma; PALMOPLANTAR KERATODERMA WITH LEFT VENTRICULAR CARDIOMYOPATHY AND WOOLLY HAIR; Carvajal syndrome. Identifiers: Orphanet 65282, MedGen C1854063, MONDO:0011581, OMIM 605676.
Arrhythmogenic right ventricular dysplasia 8 (ARVD8). Also called: Arrhythmogenic Right Ventricular Dysplasia/Cardiomyopathy 8; ARRHYTHMOGENIC RIGHT VENTRICULAR CARDIOMYOPATHY 8; ARRHYTHMOGENIC RIGHT VENTRICULAR DYSPLASIA, FAMILIAL, 8. Identifiers: MedGen C1843896, MONDO:0011831, OMIM 607450.

Submissions (3):

GeneDx
Classification: Uncertain significance. Last evaluated: 2023-12-20. Review status: criteria provided, single submitter. Criteria: GeneDx Variant Classification Process June 2021. Collection method: clinical testing. Allele origin: germline. Affected: yes.
Comment: Has not been previously published as pathogenic or benign to our knowledge; Not observed at significant frequency in large population cohorts (gnomAD); In silico analysis supports that this missense variant has a deleterious effect on protein structure/function

Labcorp Genetics (formerly Invitae), Labcorp
Classification: Likely benign for Arrhythmogenic cardiomyopathy with wooly hair and keratoderma; Arrhythmogenic right ventricular dysplasia 8. Last evaluated: 2023-05-22. Review status: criteria provided, single submitter. Criteria: Invitae Variant Classification Sherloc (09022015). Collection method: clinical testing. Allele origin: germline.

Ambry Genetics
Classification: Uncertain significance for Cardiovascular phenotype. Last evaluated: 2021-10-06. Review status: criteria provided, single submitter. Criteria: Ambry Variant Classification Scheme 2023. Collection method: clinical testing. Allele origin: germline.
Comment: The p.R16C variant (also known as c.46C>T), located in coding exon 1 of the DSP gene, results from a C to T substitution at nucleotide position 46. The arginine at codon 16 is replaced by cysteine, an amino acid with highly dissimilar properties. This amino acid position is conserved. In addition, the in silico prediction for this alteration is inconclusive. Since supporting evidence is limited at this time, the clinical significance of this alteration remains unclear.

NM_004415.4(DSP):c.46C>T (p.Arg16Cys)

Genes: DSP-AS1 (DSP antisense RNA 1; minus strand), DSP (desmoplakin; plus strand). Cytogenetic location: 6p24.3.
Variant type: single nucleotide variant.
Coding change: c.46C>T on transcript NM_004415.4 (MANE Select); coding-DNA position 46, C replaced by T.
Protein change: p.Arg16Cys; replaces arginine 16 with cysteine.
Molecular consequence: missense variant.
Genome position (GRCh38, 1-based): chr6:7,541,961, C>T. VCF-style: chr6-7541961-C-T. GRCh37 (hg19) VCF-style: chr6-7542194-C-T.
Other names: c.46C>T, p.Arg16Cys (NM_001008844.3, NM_001319034.2, NM_001406591.1); short protein forms R16C.
Identifiers: ClinVar variation 1742538 (VCV001742538.8), dbSNP rs754773488, ClinGen allele CA042557.